The following is an entry in ClinVar:

NM_001134407.3(GRIN2A):c.53G>A (p.Trp18Ter)

Gene: GRIN2A (glutamate ionotropic receptor NMDA type subunit 2A; minus strand). Cytogenetic location: 16p13.2.
Variant type: single nucleotide variant.
Coding change: c.53G>A on transcript NM_001134407.3 (MANE Select); coding-DNA position 53, G replaced by A.
Protein change: p.Trp18Ter; replaces tryptophan 18 with a stop codon.
Molecular consequence: nonsense.
Genome position (GRCh38, 1-based): chr16:10,180,359, C>T on the plus strand (G>A on the coding strand, the complement: GRIN2A is on the minus strand). VCF-style: chr16-10180359-C-T. GRCh37 (hg19) VCF-style: chr16-10274216-C-T.
Other names: c.53G>A, p.Trp18Ter (NM_000833.5, NM_001134408.2); short protein forms W18*.
Identifiers: ClinVar variation 4713912 (VCV004713912.1).

ClinVar aggregate classification (germline): Pathogenic (1 of 4 stars; one submission).

Conditions:
Landau-Kleffner syndrome (FESD). Also called: EPILEPSY, FOCAL, WITH SPEECH DISORDER AND WITH OR WITHOUT MENTAL RETARDATION; APHASIA, ACQUIRED, WITH EPILEPSY. Identifiers: Orphanet 1945, Orphanet 725, Orphanet 98818, MedGen C0282512, MONDO:0009509, OMIM 245570.

Submission:

Labcorp Genetics (formerly Invitae), Labcorp
Classification: Pathogenic for Landau-Kleffner syndrome. Last evaluated: 2025-02-26. Review status: criteria provided, single submitter. Criteria: Invitae Variant Classification Sherloc (09022015). Collection method: clinical testing. Allele origin: germline.
Comment: This sequence change creates a premature translational stop signal (p.Trp18*) in the GRIN2A gene. It is expected to result in an absent or disrupted protein product. Loss-of-function variants in GRIN2A are known to be pathogenic (PMID: 23933819, 23933820). This variant is not present in population databases (gnomAD no frequency). This variant has not been reported in the literature in individuals affected with GRIN2A-related conditions. For these reasons, this variant has been classified as Pathogenic.

Literature cited by the submitters: PubMed 23933819; PubMed 23933820.